The following is an entry in ClinVar:

ClinVar aggregate classification (germline): Conflicting classifications of pathogenicity. Review status: criteria provided, conflicting classifications (1 of 4 stars). 4 submissions from 4 submitters: Uncertain significance (1); Likely benign (3). Last evaluated 2026-01-15.

Conditions:
Upshaw-Schulman syndrome (TTP). Also called: Congenital thrombotic thrombocytopenic purpura; THROMBOTIC THROMBOCYTOPENIC PURPURA, HEREDITARY. Identifiers: Orphanet 93583, MedGen C1268935, MONDO:0010122, OMIM 274150.

Allele frequency attached by ClinVar (database versions not stated): TOPMed 0.00050; gnomAD exomes 0.00057; gnomAD 0.00062 and 0.00064; ExAC 0.00079; ESP Exome Variant Server 0.00023.
gnomAD v4.1: 1,261 of 1,586,842 alleles (0.079%); highest among the groups gnomAD compares: Non-Finnish European, 0.098%; 1 homozygote.

Submissions (4):

Labcorp Genetics (formerly Invitae), Labcorp
Classification: Likely benign. Last evaluated: 2026-01-15. Review status: criteria provided, single submitter. Criteria: Invitae Variant Classification Sherloc (09022015). Collection method: clinical testing. Allele origin: germline.

CeGaT Center for Human Genetics Tuebingen
Classification: Likely benign. Last evaluated: 2025-05-01. Review status: criteria provided, single submitter. Criteria: CeGaT Center For Human Genetics Tuebingen Variant Classification Criteria Version 2. Collection method: clinical testing. Allele origin: germline. Affected: yes. Observed: 3 variant alleles.
Comment: ADAMTS13: BP4, BP7

Blueprint Genetics
Classification: Likely benign. Last evaluated: 2024-08-05. Review status: criteria provided, single submitter. Criteria: ACMG Guidelines, 2015. Collection method: clinical testing. Allele origin: germline.

Illumina Laboratory Services, Illumina
Classification: Uncertain significance for Upshaw-Schulman syndrome. Last evaluated: 2018-01-12. Review status: criteria provided, single submitter. Criteria: ICSL Variant Classification Criteria 13 December 2019. Collection method: clinical testing. Allele origin: germline.

NM_139027.6(ADAMTS13):c.1359C>T (p.Thr453=)

Gene: ADAMTS13 (ADAM metallopeptidase with thrombospondin type 1 motif 13; plus strand). Cytogenetic location: 9q34.2.
Variant type: single nucleotide variant.
Coding change: c.1359C>T on transcript NM_139027.6 (MANE Select); coding-DNA position 1359, C replaced by T.
Protein change: p.Thr453=; no amino-acid change (threonine 453 retained).
Molecular consequence: synonymous variant.
Genome position (GRCh38, 1-based): chr9:133,436,879, C>T. VCF-style: chr9-133436879-C-T. GRCh37 (hg19) VCF-style: chr9-136301999-C-T.
Other names: c.1359C>T, p.Thr453= (NM_139025.5); c.1266C>T, p.Thr422= (NM_139026.6).
Identifiers: ClinVar variation 365545 (VCV000365545.34), dbSNP rs148365271, ClinGen allele CA10632754.